The following is an entry in ClinVar:

NM_025145.7(CFAP43):c.131G>C (p.Cys44Ser)

Gene: CFAP43 (cilia and flagella associated protein 43; minus strand). Cytogenetic location: 10q25.1.
Variant type: single nucleotide variant.
Coding change: c.131G>C on transcript NM_025145.7 (MANE Select); coding-DNA position 131, G replaced by C.
Protein change: p.Cys44Ser; replaces cysteine 44 with serine.
Molecular consequence: missense variant.
Genome position (GRCh38, 1-based): chr10:104,230,778, C>G on the plus strand (G>C on the coding strand, the complement: CFAP43 is on the minus strand). VCF-style: chr10-104230778-C-G. GRCh37 (hg19) VCF-style: chr10-105990536-C-G.
Other names: short protein forms C44S.
Identifiers: ClinVar variation 3731538 (VCV003731538.1).

ClinVar aggregate classification (germline): Uncertain significance (1 of 4 stars; one submission).

Conditions:
Normal pressure hydrocephalus. Identifiers: MedGen C0020258, MONDO:0009366, OMIM 236690, HP:0002343.

gnomAD v4.1: 85 of 1,613,946 alleles (0.0053%); highest among the groups gnomAD compares: Middle Eastern, 0.066%; no homozygotes.

Submission:

Neuberg Centre For Genomic Medicine, NCGM
Classification: Uncertain significance for Normal pressure hydrocephalus. Review status: criteria provided, single submitter. Criteria: ACMG Guidelines, 2015. Collection method: clinical testing. Allele origin: germline. Inheritance: Autosomal dominant inheritance. Affected: yes.
Comment: The missense c.131G>C (p.Cys44Ser) variant in CFAP43 gene has not been reported previously as a pathogenic variant nor as a benign variant, to our knowledge. The p..Cys44Ser variant is present with allele frequency of 0.005% in gnomAD exomes database. This variant has not been submitted to the ClinVar database. Multiple lines of computational evidence (Polyphen - benign, SIFT - tolerated and MutationTaster - disease causing) predicts conflicting evidence on protein structure and function for this variant. The reference amino acid at this position on CFAP43 gene is predicted as conserved by GERP++ and PhyloP across 100 vertebrates. The amino acid Cys at position 44 is changed to a Ser changing protein sequence and it might alter its composition and physico-chemical properties. For these reasons, this variant has been classified as Uncertain Significance (VUS).